The following is an entry in ClinVar:

ClinVar aggregate classification (germline): Uncertain significance (1 of 4 stars; one submission).

Conditions:
Fanconi anemia (FA). Also called: Fanconi's anemia. Identifiers: Orphanet 84, MedGen C0015625, MeSH D005199, MONDO:0019391.

Allele frequency attached by ClinVar (database versions not stated): gnomAD exomes below 0.00001; gnomAD 0.00002; TOPMed 0.00002; ESP Exome Variant Server 0.00008.

Submission:

Labcorp Genetics (formerly Invitae), Labcorp
Classification: Uncertain significance for Fanconi anemia. Last evaluated: 2021-09-29. Review status: criteria provided, single submitter. Criteria: Invitae Variant Classification Sherloc (09022015). Collection method: clinical testing. Allele origin: germline.
Comment: This sequence change replaces aspartic acid with asparagine at codon 90 of the FANCF protein (p.Asp90Asn). The aspartic acid residue is moderately conserved and there is a small physicochemical difference between aspartic acid and asparagine. This variant is not present in population databases (ExAC no frequency). This variant has not been reported in the literature in individuals affected with FANCF-related conditions. Algorithms developed to predict the effect of missense changes on protein structure and function are either unavailable or do not agree on the potential impact of this missense change (SIFT: "Tolerated"; PolyPhen-2: "Probably Damaging"; Align-GVGD: "Class C0"). In summary, the available evidence is currently insufficient to determine the role of this variant in disease. Therefore, it has been classified as a Variant of Uncertain Significance.

NM_022725.4(FANCF):c.268G>A (p.Asp90Asn)

Gene: FANCF (FA complementation group F; minus strand). Cytogenetic location: 11p14.3.
Variant type: single nucleotide variant.
Coding change: c.268G>A on transcript NM_022725.4 (MANE Select); coding-DNA position 268, G replaced by A.
Protein change: p.Asp90Asn; replaces aspartic acid 90 with asparagine.
Molecular consequence: missense variant.
Genome position (GRCh38, 1-based): chr11:22,625,543, C>T on the plus strand (G>A on the coding strand, the complement: FANCF is on the minus strand). VCF-style: chr11-22625543-C-T. GRCh37 (hg19) VCF-style: chr11-22647089-C-T.
Other names: short protein forms D90N.
Identifiers: ClinVar variation 1513158 (VCV001513158.3), dbSNP rs370200638, ClinGen allele CA219086652.
Genomic context (GRCh38, chr11:22,625,543, plus strand): 5'-GGTAACGAGCTGCATCCCCGAGGGCCCGGTTCTCCAGCAGGCGCAGAGAGAGCAGGACGT[C>T]ACAGTGACCGAGGGCCTGGAAGTTCGCTAATCCCGGAACTGGACCCCGCCCAAAGCCGCC-3'
Protein context (NP_073562.1, residues 80-100): LANFQALGHC[Asp90Asn]VLLSLRLLEN